The following is an entry in ClinVar:

NM_000554.6(CRX):c.22G>C (p.Gly8Arg)

Gene: CRX (cone-rod homeobox; plus strand). Cytogenetic location: 19q13.33.
Variant type: single nucleotide variant.
Coding change: c.22G>C on transcript NM_000554.6 (MANE Select); coding-DNA position 22, G replaced by C.
Protein change: p.Gly8Arg; replaces glycine 8 with arginine.
Molecular consequence: missense variant.
Genome position (GRCh38, 1-based): chr19:47,834,465, G>C. VCF-style: chr19-47834465-G-C. GRCh37 (hg19) VCF-style: chr19-48337722-G-C.
Other names: c.22G>C (NM_000554.5, NM_000554.4); short protein forms G8R.
Identifiers: ClinVar variation 1041530 (VCV001041530.10), dbSNP rs146240568, ClinGen allele CA9544366.

ClinVar aggregate classification (germline): Conflicting classifications of pathogenicity. Review status: criteria provided, conflicting classifications (1 of 4 stars). 4 submissions from 4 submitters: Uncertain significance (2); Benign (1); Likely benign (1). Last evaluated 2026-03-25.

Conditions:
Leber congenital amaurosis 7 (LCA7). Identifiers: Orphanet 65, MedGen C3151192, MONDO:0013449, OMIM 613829.
Cone-rod dystrophy 2 (CORD2). Also called: CONE-ROD RETINAL DYSTROPHY; Cone-rod retinal dystrophy 2. Identifiers: Orphanet 1872, MedGen C3489532, MONDO:0007362, OMIM 120970.
CRX-related disorder. Also called: CRX-related condition.
Inborn genetic diseases. Identifiers: MedGen C0950123, MeSH D030342.

Allele frequency attached by ClinVar (database versions not stated): gnomAD exomes 0.00002 and 0.00004; ExAC 0.00009; ESP Exome Variant Server 0.00015; 1000 Genomes Project 0.00020; gnomAD 0.00021 and 0.00023; TOPMed 0.00024; 1000 Genomes Project 30x 0.00031.
gnomAD v4.1: 57 of 1,614,112 alleles (0.0035%); highest among the groups gnomAD compares: African/African-American, 0.072%; no homozygotes.

Submissions (4):

PreventionGenetics, part of Exact Sciences
Classification: Uncertain significance for CRX-related condition. Last evaluated: 2026-03-25. Review status: criteria provided, single submitter. Criteria: ACMG Guidelines, 2015. Collection method: clinical testing. Allele origin: germline.
Comment: The CRX c.22G>C variant is predicted to result in the amino acid substitution p.Gly8Arg. To our knowledge, this variant has not been reported in the literature. This variant is reported in 0.060% of alleles in individuals of African descent in gnomAD, which may be too frequent to be a primary cause of disease. Although we suspect that this variant may be benign, at this time, the clinical significance of this variant is uncertain due to the absence of conclusive functional and genetic evidence.

Ambry Genetics
Classification: Uncertain significance for Inborn genetic diseases. Last evaluated: 2025-04-07. Review status: criteria provided, single submitter. Criteria: Ambry Variant Classification Scheme 2023. Collection method: clinical testing. Allele origin: germline.

Labcorp Genetics (formerly Invitae), Labcorp
Classification: Likely benign for Cone-rod dystrophy 2; Leber congenital amaurosis 7. Last evaluated: 2024-11-08. Review status: criteria provided, single submitter. Criteria: Invitae Variant Classification Sherloc (09022015). Collection method: clinical testing. Allele origin: germline.

Blueprint Genetics
Classification: Benign. Last evaluated: 2022-11-13. Review status: criteria provided, single submitter. Criteria: ACMG Guidelines, 2015. Collection method: clinical testing. Allele origin: germline.